The following is an entry in ClinVar:

ClinVar aggregate classification (germline): Uncertain significance. Review status: criteria provided, multiple submitters, no conflicts (2 of 4 stars). 3 submissions from 3 submitters: Uncertain significance (3). Last evaluated 2025-06-17.

Conditions:
Donnai-Barrow syndrome. Also called: DBS/FOAR SYNDROME; FACIOOCULOACOUSTICORENAL SYNDROME. Identifiers: Orphanet 2143, MedGen C1857277, MONDO:0009104, OMIM 222448.
Inborn genetic diseases. Identifiers: MedGen C0950123, MeSH D030342.

Allele frequency attached by ClinVar (database versions not stated): gnomAD exomes below 0.00001 and 0.00001; ExAC 0.00001; gnomAD 0.00003.
gnomAD v4.1: 18 of 1,613,848 alleles (0.0011%); highest among the groups gnomAD compares: South Asian, 0.0044%; no homozygotes.

Submissions (3):

Ambry Genetics
Classification: Uncertain significance for Inborn genetic diseases. Last evaluated: 2025-06-17. Review status: criteria provided, single submitter. Criteria: Ambry Variant Classification Scheme 2023. Collection method: clinical testing. Allele origin: germline.

Fulgent Genetics
Classification: Uncertain significance for Donnai-Barrow syndrome. Last evaluated: 2024-03-28. Review status: criteria provided, single submitter. Criteria: ACMG Guidelines, 2015. Collection method: clinical testing. Allele origin: germline.

Labcorp Genetics (formerly Invitae), Labcorp
Classification: Uncertain significance. Last evaluated: 2022-03-18. Review status: criteria provided, single submitter. Criteria: Invitae Variant Classification Sherloc (09022015). Collection method: clinical testing. Allele origin: germline.
Comment: This sequence change replaces arginine, which is basic and polar, with histidine, which is basic and polar, at codon 2542 of the LRP2 protein (p.Arg2542His). This variant is present in population databases (rs778298000, gnomAD 0.004%). This variant has not been reported in the literature in individuals affected with LRP2-related conditions. Advanced modeling of protein sequence and biophysical properties (such as structural, functional, and spatial information, amino acid conservation, physicochemical variation, residue mobility, and thermodynamic stability) performed at Invitae indicates that this missense variant is expected to disrupt LRP2 protein function. In summary, the available evidence is currently insufficient to determine the role of this variant in disease. Therefore, it has been classified as a Variant of Uncertain Significance.

NM_004525.3(LRP2):c.7625G>A (p.Arg2542His)

Gene: LRP2 (LDL receptor related protein 2; minus strand). Cytogenetic location: 2q31.1.
Variant type: single nucleotide variant.
Coding change: c.7625G>A on transcript NM_004525.3 (MANE Select); coding-DNA position 7625, G replaced by A.
Protein change: p.Arg2542His; replaces arginine 2542 with histidine.
Molecular consequence: missense variant.
Genome position (GRCh38, 1-based): chr2:169,205,569, C>T on the plus strand (G>A on the coding strand, the complement: LRP2 is on the minus strand). VCF-style: chr2-169205569-C-T. GRCh37 (hg19) VCF-style: chr2-170062079-C-T.
Other names: c.7625G>A (NM_004525.2); short protein forms R2542H.
Identifiers: ClinVar variation 1492401 (VCV001492401.5), dbSNP rs778298000, ClinGen allele CA1954047.
Genomic context (GRCh38, chr2:169,205,569, plus strand): 5'-TCTTCATAGTCCAGAGTCAGCCCACTGGGCATGACCAGACTGCTGTTCACAATGGGTACG[C>T]GGAAGTTTCCTCCCAATGTGGCTCTCTCGATTTTGGCATGTGTATCCCAGTCAGCCCAGT-3'
Protein context (NP_004516.2, residues 2532-2552): IERATLGGNF[Arg2542His]VPIVNSSLVM